The following is an entry in ClinVar:

ClinVar aggregate classification (germline): Pathogenic/Likely pathogenic. Review status: criteria provided, multiple submitters, no conflicts (2 of 4 stars). 2 submissions from 2 submitters: Pathogenic (1); Likely pathogenic (1). Last evaluated 2019-12-18.

Conditions:
SCN1A Seizure Disorders. Identifiers: MedGen CN381098.

Submissions (2):

Rady Children's Institute for Genomic Medicine, Rady Children's Hospital San Diego
Classification: Pathogenic for SCN1A Seizure Disorders. Last evaluated: 2019-12-18. Review status: criteria provided, single submitter. Criteria: ACMG Guidelines, 2015. Collection method: clinical testing. Allele origin: germline. Affected: yes.
Comment: This variant has been previously reported as a heterozygous change in a patient with epilepsy (PMID: 29655203). ClinVar contains an entry for this variant (Variation ID: 206944). It is absent from the ExAC and gnomAD population databases and thus is presumed to be rare. The c.5168C>T (p.Ser1723Phe) variant affects a highly conserved amino acid and is predicted by multiple in silico tools to have a deleterious effect on protein function. Analysis of the parental samples was negative for the variant, indicating this variant likely occurred as a de novo event. Based on the available evidence, the c.5168C>T (p.Ser1723Phe) variant is classified as Pathogenic.

GeneDx
Classification: Likely pathogenic. Last evaluated: 2018-08-03. Review status: criteria provided, single submitter. Criteria: GeneDx Variant Classification (06012015). Collection method: clinical testing. Allele origin: germline. Affected: yes.
Comment: p.Ser1723Phe (TCT>TTT): c.5168 C>T in exon 26 of the SCN1A gene (NM_001165963.1) A variant that is likely pathogenic has been identified in the SCN1A gene. The S1723F variant has not been published as a mutation, nor has it been reported as a benign polymorphism to our knowledge. It was not observed in approximately 6,500 individuals of European and African American ancestry in the NHLBI Exome Sequencing Project, indicating it is not a common benign variant in these populations. The S1723F variant is a non-conservative amino acid substitution, which is likely to impact secondary protein structure as these residues differ in polarity, charge, size and/or other properties. This substitution alters a highly conserved position in the extracellular loop between the S5 and S6 transmembrane segments of the 4th homologous domain, and in silico analysis predicts this variant is probably damaging to the protein structure/function. Missense mutations in nearby residues (L1717P; T1721R; A1724P; G1725C) have been reported in association with Dravet syndrome, myoclonic epilepsy of infancy, and intractable seizures, supporting the functional importance of this region of the protein. Therefore, the S1723F variant is a strong candidate for a pathogenic mutation, however the possibility that it is a benign variant cannot be excluded. The variant is found in EPILEPSY panel(s).

NM_001165963.4(SCN1A):c.5168C>T (p.Ser1723Phe)

Genes: SCN1A (sodium voltage-gated channel alpha subunit 1; minus strand), LOC102724058 (uncharacterized LOC102724058; plus strand). Cytogenetic location: 2q24.3.
Variant type: single nucleotide variant.
Coding change: c.5168C>T on transcript NM_001165963.4 (MANE Select); coding-DNA position 5168, C replaced by T.
Protein change: p.Ser1723Phe; replaces serine 1723 with phenylalanine.
Molecular consequence: missense variant. On other transcripts: non-coding transcript variant (1).
Genome position (GRCh38, 1-based): chr2:165,992,107, G>A on the plus strand (C>T on the coding strand, the complement: SCN1A is on the minus strand). VCF-style: chr2-165992107-G-A. GRCh37 (hg19) VCF-style: chr2-166848617-G-A.
Other names: p.S1723F:TCT>TTT; c.5084C>T, p.Ser1695Phe (NM_001165964.3, NM_001353957.2, NM_001353958.2); c.5168C>T, p.Ser1723Phe (NM_001202435.3, NM_001353948.2); c.5135C>T, p.Ser1712Phe (NM_001353949.2, NM_001353950.2, NM_001353951.2 and 2 more transcripts); c.5132C>T, p.Ser1711Phe (NM_001353954.2, NM_001353955.2); c.5081C>T, p.Ser1694Phe (NM_001353960.2); c.2726C>T, p.Ser909Phe (NM_001353961.2); short protein forms S1712F, S1723F, S909F, S1695F, S1711F, S1694F.
Identifiers: ClinVar variation 206944 (VCV000206944.3), dbSNP rs796053099, ClinGen allele CA317812.